The following is an entry in ClinVar:

ClinVar aggregate classification (germline): Likely benign. Review status: criteria provided, multiple submitters, no conflicts (2 of 4 stars). 3 submissions from 3 submitters: Likely benign (2). 1 of the submissions does not count toward it. Last evaluated 2025-02-27.

Conditions:
PCARE-related disorder. Also called: PCARE-related condition.

Allele frequency attached by ClinVar (database versions not stated): ExAC 0.00002; gnomAD exomes 0.00002; gnomAD 0.00003 and 0.00004; TOPMed 0.00003.
gnomAD v4.1: 44 of 1,614,084 alleles (0.0027%); highest among the groups gnomAD compares: South Asian, 0.0044%; no homozygotes.

Submissions (3):

Labcorp Genetics (formerly Invitae), Labcorp
Classification: Likely benign. Last evaluated: 2025-02-27. Review status: criteria provided, single submitter. Criteria: Invitae Variant Classification Sherloc (09022015). Collection method: clinical testing. Allele origin: germline.

Blueprint Genetics
Classification: Likely benign. Last evaluated: 2024-01-18. Review status: criteria provided, single submitter. Criteria: ACMG Guidelines, 2015. Collection method: clinical testing. Allele origin: germline.

PreventionGenetics, part of Exact Sciences
Classification: Likely benign for PCARE-related condition. Last evaluated: 2019-05-01. Review status: no assertion criteria provided. Collection method: clinical testing. Allele origin: germline. Not counted in ClinVar's aggregate classification.
Comment: This variant is classified as likely benign based on ACMG/AMP sequence variant interpretation guidelines (Richards et al. 2015 PMID: 25741868, with internal and published modifications).

NM_001029883.3(PCARE):c.1776G>A (p.Thr592=)

Gene: PCARE (photoreceptor cilium actin regulator; minus strand). Cytogenetic location: 2p23.2.
Variant type: single nucleotide variant.
Coding change: c.1776G>A on transcript NM_001029883.3 (MANE Select); coding-DNA position 1776, G replaced by A.
Protein change: p.Thr592=; no amino-acid change (threonine 592 retained).
Molecular consequence: synonymous variant.
Genome position (GRCh38, 1-based): chr2:29,072,486, C>T on the plus strand (G>A on the coding strand, the complement: PCARE is on the minus strand). VCF-style: chr2-29072486-C-T. GRCh37 (hg19) VCF-style: chr2-29295352-C-T.
Identifiers: ClinVar variation 732230 (VCV000732230.13), dbSNP rs201520631, ClinGen allele CA1592356.